The following is an entry in ClinVar:

NM_000179.3(MSH6):c.3887A>C (p.Lys1296Thr)

Gene: MSH6 (mutS homolog 6; plus strand). Cytogenetic location: 2p16.3.
Variant type: single nucleotide variant.
Coding change: c.3887A>C on transcript NM_000179.3 (MANE Select); coding-DNA position 3887, A replaced by C.
Protein change: p.Lys1296Thr; replaces lysine 1296 with threonine.
Molecular consequence: missense variant.
Genome position (GRCh38, 1-based): chr2:47,806,537, A>C. VCF-style: chr2-47806537-A-C. GRCh37 (hg19) VCF-style: chr2-48033676-A-C.
Other names: c.3497A>C, p.Lys1166Thr (NM_001281492.2); c.2981A>C, p.Lys994Thr (NM_001281493.2, NM_001281494.2); short protein forms K1296T, K1166T, K994T.
Identifiers: ClinVar variation 824337 (VCV000824337.4), dbSNP rs1553333526, ClinGen allele CA346761388.

ClinVar aggregate classification (germline): Uncertain significance (1 of 4 stars; one submission).

Conditions:
Hereditary cancer-predisposing syndrome. Also called: Neoplastic Syndromes, Hereditary; Tumor predisposition; Hereditary neoplastic syndrome; Hereditary Cancer Syndrome. Identifiers: Orphanet 140162, MedGen C0027672, MeSH D009386, MONDO:0015356.

Submission:

Ambry Genetics
Classification: Uncertain significance for Hereditary cancer-predisposing syndrome. Last evaluated: 2018-03-01. Review status: criteria provided, single submitter. Criteria: Ambry Variant Classification Scheme 2023. Collection method: clinical testing. Allele origin: germline.
Comment: The p.K1296T variant (also known as c.3887A>C), located in coding exon 9 of the MSH6 gene, results from an A to C substitution at nucleotide position 3887. The lysine at codon 1296 is replaced by threonine, an amino acid with similar properties. This amino acid position is highly conserved in available vertebrate species. In addition, this alteration is predicted to be deleterious by in silico analysis. In addition, the CoDP in silico tool predicts this alteration is likely to impair molecular function, with a score of 0.869 (Terui H et al. J. Biomed. Sci. 2013 Apr;20:25). Since supporting evidence is limited at this time, the clinical significance of this alteration remains unclear.